The following is an entry in ClinVar:

ClinVar aggregate classification (germline): Uncertain significance (1 of 4 stars; one submission).

Conditions:
Ehlers-Danlos syndrome, type 4 (EDSVASC). Also called: Ehlers-Danlos syndrome vascular type; Ehlers Danlos syndrome, ecchymotic type; Ehlers Danlos syndrome, arterial type; Ehlers Danlos syndrome, Sack-Barabas type; Ehlers-Danlos Syndrome Type IV. Identifiers: Orphanet 286, MedGen C0268338, MONDO:0017314, OMIM 130050.

Submission:

Labcorp Genetics (formerly Invitae), Labcorp
Classification: Uncertain significance for Ehlers-Danlos syndrome, type 4. Last evaluated: 2025-11-15. Review status: criteria provided, single submitter. Criteria: Invitae Variant Classification Sherloc (09022015). Collection method: clinical testing. Allele origin: germline.
Comment: This sequence change falls in intron 23 of the COL3A1 gene. It does not directly change the encoded amino acid sequence of the COL3A1 protein. It affects a nucleotide within the consensus splice site. This variant is not present in population databases (gnomAD no frequency). This variant has not been reported in the literature in individuals affected with COL3A1-related conditions. Variants that disrupt the consensus splice site are a relatively common cause of aberrant splicing (PMID: 17576681, 9536098). Algorithms developed to predict the effect of sequence changes on RNA splicing suggest that this variant may disrupt the consensus splice site. In summary, the available evidence is currently insufficient to determine the role of this variant in disease. Therefore, it has been classified as a Variant of Uncertain Significance.

Literature cited by the submitters: PubMed 17576681; PubMed 9536098.

NM_000090.4(COL3A1):c.1662+6T>A

Gene: COL3A1 (collagen type III alpha 1 chain; plus strand). Cytogenetic location: 2q32.2.
Variant type: single nucleotide variant.
Coding change: c.1662+6T>A on transcript NM_000090.4 (MANE Select); 6 bases into the intron after coding-DNA position 1662, T replaced by A.
Molecular consequence: intron variant.
Genome position (GRCh38, 1-based): chr2:188,996,184, T>A. VCF-style: chr2-188996184-T-A. GRCh37 (hg19) VCF-style: chr2-189860910-T-A.
Identifiers: ClinVar variation 4723139 (VCV004723139.1).